The following is an entry in ClinVar:

ClinVar aggregate classification (germline): Uncertain significance (1 of 4 stars; one submission).

Conditions:
Inborn genetic diseases. Identifiers: MedGen C0950123, MeSH D030342.

Allele frequency attached by ClinVar (database versions not stated): gnomAD exomes below 0.00001; TOPMed below 0.00001.
gnomAD v4.1: 4 of 1,611,236 alleles (0.00025%); highest among the groups gnomAD compares: African/African-American, 0.0027%; no homozygotes.

Submission:

Ambry Genetics
Classification: Uncertain significance for Inborn genetic diseases. Last evaluated: 2022-05-06. Review status: criteria provided, single submitter. Criteria: Ambry Variant Classification Scheme 2023. Collection method: clinical testing. Allele origin: germline.
Comment: The c.176-6C>T intronic alteration consists of a C to T substitution 6 nucleotides before exon 4 (coding exon 3) of the AKT1 gene. Based on insufficient or conflicting evidence, the clinical significance of this alteration remains unclear.

NM_001382430.1(AKT1):c.176-6C>T

Gene: AKT1 (AKT serine/threonine kinase 1; minus strand). Cytogenetic location: 14q32.33.
Variant type: single nucleotide variant.
Coding change: c.176-6C>T on transcript NM_001382430.1 (MANE Select); 6 bases into the intron before coding-DNA position 176, C replaced by T.
Molecular consequence: intron variant.
Genome position (GRCh38, 1-based): chr14:104,776,776, G>A on the plus strand (C>T on the coding strand, the complement: AKT1 is on the minus strand). VCF-style: chr14-104776776-G-A. GRCh37 (hg19) VCF-style: chr14-105243113-G-A.
Other names: c.176-6C>T (NM_001014431.2, NM_001014432.2, NM_001382433.1 and 3 more transcripts).
Identifiers: ClinVar variation 2280223 (VCV002280223.2), dbSNP rs1451952869, ClinGen allele CA616458530.
Genomic context (GRCh38, chr14:104,776,776, plus strand): 5'-CAGCGGATGATGAAGGTGTTGGGCCGGGGCCGCTCCGTCTTCATCAGCTGGCACTCTGCG[G>A]GCAGGCAGAGCCTCTGTCTGCGTGCATCCCCCTGCCCCTCCCAGGGCCCTCACCACAGCC-3'